The following is an entry in ClinVar:

ClinVar aggregate classification (germline): Uncertain significance (1 of 4 stars; one submission).

Conditions:
POLD1-related polyposis and colorectal cancer syndrome (CRCS10). Also called: Colorectal cancer 10; COLORECTAL CANCER, SUSCEPTIBILITY TO, ON CHROMOSOME 19q; Colorectal cancer, susceptibility to, 10. Identifiers: Orphanet 220460, MedGen C2675481, MONDO:0012953, OMIM 612591.

Submission:

Labcorp Genetics (formerly Invitae), Labcorp
Classification: Uncertain significance for POLD1-related polyposis and colorectal cancer syndrome. Last evaluated: 2019-05-21. Review status: criteria provided, single submitter. Criteria: Invitae Variant Classification Sherloc (09022015). Collection method: clinical testing. Allele origin: germline.
Comment: In summary, the available evidence is currently insufficient to determine the role of this variant in disease. Therefore, it has been classified as a Variant of Uncertain Significance. Algorithms developed to predict the effect of missense changes on protein structure and function are either unavailable or do not agree on the potential impact of this missense change (SIFT: "Deleterious"; PolyPhen-2: "Probably Damaging"; Align-GVGD: "Class C0"). This variant has not been reported in the literature in individuals with POLD1-related conditions. This variant is not present in population databases (ExAC no frequency). This sequence change replaces asparagine with aspartic acid at codon 400 of the POLD1 protein (p.Asn400Asp). The asparagine residue is highly conserved and there is a small physicochemical difference between asparagine and aspartic acid.

NM_002691.4(POLD1):c.1198A>G (p.Asn400Asp)

Gene: POLD1 (DNA polymerase delta 1, catalytic subunit; plus strand). Cytogenetic location: 19q13.33.
Variant type: single nucleotide variant.
Coding change: c.1198A>G on transcript NM_002691.4 (MANE Select); coding-DNA position 1198, A replaced by G.
Protein change: p.Asn400Asp; replaces asparagine 400 with aspartic acid.
Molecular consequence: missense variant. On other transcripts: non-coding transcript variant (1).
Genome position (GRCh38, 1-based): chr19:50,403,553, A>G. VCF-style: chr19-50403553-A-G. GRCh37 (hg19) VCF-style: chr19-50906810-A-G.
Other names: c.1198A>G, p.Asn400Asp (NM_001256849.1, NM_001308632.1); short protein forms N400D.
Identifiers: ClinVar variation 945583 (VCV000945583.9), dbSNP rs2038749136, ClinGen allele CA406978555.